The following is an entry in ClinVar:

ClinVar aggregate classification (germline): Likely benign (1 of 4 stars; one submission).

gnomAD v4.1: 20 of 398,430 alleles (0.005%); highest among the groups gnomAD compares: Admixed American, 0.0088%; no homozygotes.

Submission:

CeGaT Center for Human Genetics Tuebingen
Classification: Likely benign. Last evaluated: 2024-07-01. Review status: criteria provided, single submitter. Criteria: CeGaT Center For Human Genetics Tuebingen Variant Classification Criteria Version 2. Collection method: clinical testing. Allele origin: germline. Affected: yes. Observed: 1 variant allele.
Comment: KCNQ1OT1: BS2

NM_000218.3(KCNQ1):c.1514+32677G>A

Genes: KCNQ1 (potassium voltage-gated channel subfamily Q member 1; plus strand), KCNQ1OT1 (KCNQ1 opposite strand/antisense transcript 1; minus strand). Cytogenetic location: 11p15.5.
Variant type: single nucleotide variant.
Coding change: c.1514+32677G>A on transcript NM_000218.3 (MANE Select); 32677 bases into the intron after coding-DNA position 1514, G replaced by A.
Molecular consequence: intron variant. On other transcripts: non-coding transcript variant (1).
Genome position (GRCh38, 1-based): chr11:2,694,758, G>A. VCF-style: chr11-2694758-G-A. GRCh37 (hg19) VCF-style: chr11-2715988-G-A.
Other names: c.1244+32677G>A (NM_001406837.1); c.1418+32677G>A (NM_001406836.1); c.974+32677G>A (NM_001406838.1); c.1133+32677G>A (NM_181798.2).
Identifiers: ClinVar variation 3257243 (VCV003257243.17).